The following is an entry in ClinVar:

NM_001134407.3(GRIN2A):c.*1510C>T

Gene: GRIN2A (glutamate ionotropic receptor NMDA type subunit 2A; minus strand). Cytogenetic location: 16p13.2.
Variant type: single nucleotide variant.
Coding change: c.*1510C>T on transcript NM_001134407.3 (MANE Select); 1510 bases downstream of the stop codon, C replaced by T.
Molecular consequence: 3 prime UTR variant.
Genome position (GRCh38, 1-based): chr16:9,761,639, G>A on the plus strand (C>T on the coding strand, the complement: GRIN2A is on the minus strand). VCF-style: chr16-9761639-G-A. GRCh37 (hg19) VCF-style: chr16-9855496-G-A.
Other names: c.*1510C>T (NM_000833.5); c.*1716C>T (NM_001134408.2).
Identifiers: ClinVar variation 885274 (VCV000885274.4), dbSNP rs140491007, ClinGen allele CA277534425.

ClinVar aggregate classification (germline): Benign (1 of 4 stars; one submission).

Conditions:
Landau-Kleffner syndrome (FESD). Also called: APHASIA, ACQUIRED, WITH EPILEPSY; EPILEPSY, FOCAL, WITH SPEECH DISORDER AND WITH OR WITHOUT MENTAL RETARDATION. Identifiers: Orphanet 1945, Orphanet 725, Orphanet 98818, MedGen C0282512, MONDO:0009509, OMIM 245570.

Allele frequency attached by ClinVar (database versions not stated): gnomAD exomes 0.00004; 1000 Genomes Project 0.00060; TOPMed 0.00004; 1000 Genomes Project 30x 0.00031; gnomAD 0.00003.
gnomAD v4.1: 9 of 228,642 alleles (0.0039%); highest among the groups gnomAD compares: Admixed American, 0.011%; no homozygotes.

Submission:

Illumina Laboratory Services, Illumina
Classification: Benign for Landau-Kleffner syndrome. Last evaluated: 2018-01-13. Review status: criteria provided, single submitter. Criteria: ICSL Variant Classification Criteria 13 December 2019. Collection method: clinical testing. Allele origin: germline.
Comment: This variant was observed in the ICSL laboratory as part of a predisposition screen in an ostensibly healthy population. It had not been previously curated by ICSL or reported in the Human Gene Mutation Database (HGMD: prior to June 1st, 2018), and was therefore a candidate for classification through an automated scoring system. Utilizing variant allele frequency, disease prevalence and penetrance estimates, and inheritance mode, an automated score was calculated to assess if this variant is too frequent to cause the disease. Based on the score and internal cut-off values, a variant classified as benign is not then subjected to further curation. The score for this variant resulted in a classification of benign for this disease.